The following is an entry in ClinVar:

NM_001114753.3(ENG):c.1460T>C (p.Leu487Pro)

Genes: ENG (endoglin; minus strand), LOC102723566 (uncharacterized LOC102723566; plus strand). Cytogenetic location: 9q34.11.
Variant type: single nucleotide variant.
Coding change: c.1460T>C on transcript NM_001114753.3 (MANE Select); coding-DNA position 1460, T replaced by C.
Protein change: p.Leu487Pro; replaces leucine 487 with proline.
Molecular consequence: missense variant. On other transcripts: non-coding transcript variant (1).
Genome position (GRCh38, 1-based): chr9:127,818,346, A>G on the plus strand (T>C on the coding strand, the complement: ENG is on the minus strand). VCF-style: chr9-127818346-A-G. GRCh37 (hg19) VCF-style: chr9-130580625-A-G.
Other names: c.1460T>C, p.Leu487Pro (NM_000118.4); c.914T>C, p.Leu305Pro (NM_001278138.2); short protein forms L305P, L487P.
Identifiers: ClinVar variation 5035953 (VCV005035953.1).
Genomic context (GRCh38, chr9:127,818,346, plus strand): 5'-ATGAGTTCCACGGTGCCTCCCTCAGGCCCCAAGTCCAGGTGGCAGCTGTCTAACTGGAGC[A>G]GGAACTCGGAGACGGATGGGGACACTCTGACCTGCATGGGTAGGTAGGGCCACGCGGCAT-3'
Protein context (NP_001108225.1, residues 477-497): VRVSPSVSEF[Leu487Pro]LQLDSCHLDL

ClinVar aggregate classification (germline): Uncertain significance (1 of 4 stars; one submission).

Conditions:
Cardiovascular phenotype. Identifiers: MedGen CN230736.

Submission:

Ambry Genetics
Classification: Uncertain significance for Cardiovascular phenotype. Last evaluated: 2026-07-01. Review status: criteria provided, single submitter. Criteria: Ambry Variant Classification Scheme 2023. Collection method: clinical testing. Allele origin: germline.
Comment: The p.L487P variant (also known as c.1460T>C), located in coding exon 12 of the ENG gene, results from a T to C substitution at nucleotide position 1460. The leucine at codon 487 is replaced by proline, an amino acid with similar properties. This amino acid position is conserved. In addition, this alteration is predicted to be tolerated by in silico analysis. Based on the available evidence, the clinical significance of this variant remains unclear.